The following is an entry in ClinVar:

NM_006514.4(SCN10A):c.2158G>A (p.Asp720Asn)

Gene: SCN10A (sodium voltage-gated channel alpha subunit 10; minus strand). Cytogenetic location: 3p22.2.
Variant type: single nucleotide variant.
Coding change: c.2158G>A on transcript NM_006514.4 (MANE Select); coding-DNA position 2158, G replaced by A.
Protein change: p.Asp720Asn; replaces aspartic acid 720 with asparagine.
Molecular consequence: missense variant.
Genome position (GRCh38, 1-based): chr3:38,739,637, C>T on the plus strand (G>A on the coding strand, the complement: SCN10A is on the minus strand). VCF-style: chr3-38739637-C-T. GRCh37 (hg19) VCF-style: chr3-38781128-C-T.
Other names: p.Asp720Asn; c.2158G>A, p.Asp720Asn (NM_001293306.2); c.1864G>A, p.Asp622Asn (NM_001293307.2); short protein forms D720N, D622N.
Identifiers: ClinVar variation 532067 (VCV000532067.12), dbSNP rs781354273, ClinGen allele CA2320620.

ClinVar aggregate classification (germline): Uncertain significance. Review status: criteria provided, multiple submitters, no conflicts (2 of 4 stars). 5 submissions from 5 submitters: Uncertain significance (5). Last evaluated 2025-10-18.

Conditions:
Cardiovascular phenotype. Identifiers: MedGen CN230736.
Episodic pain syndrome, familial, 2 (FEPS2). Identifiers: Orphanet 306577, MedGen C3809893, MONDO:0014246, OMIM 615551.
Brugada syndrome. Also called: Sudden unexpected nocturnal death syndrome; Sudden Unexplained Death Syndrome; Sudden Unexplained Nocturnal Death Syndrome (SUNDS); Sudden unexplained nocturnal death syndrome. Identifiers: Orphanet 130, MedGen C1142166, MONDO:0015263.

Allele frequency attached by ClinVar (database versions not stated): TOPMed 0.00001; gnomAD exomes 0.00001; ExAC 0.00002.
gnomAD v4.1: 18 of 1,613,798 alleles (0.0011%); highest among the groups gnomAD compares: Admixed American, 0.005%; no homozygotes.

Submissions (5):

Ambry Genetics
Classification: Uncertain significance for Cardiovascular phenotype. Last evaluated: 2025-10-18. Review status: criteria provided, single submitter. Criteria: Ambry Variant Classification Scheme 2023. Collection method: clinical testing. Allele origin: germline.

Mayo Clinic Laboratories, Mayo Clinic
Classification: Uncertain significance. Last evaluated: 2025-10-17. Review status: criteria provided, single submitter. Criteria: ACMG Guidelines, 2015. Collection method: clinical testing. Allele origin: germline. Observed: 1 variant allele.

Labcorp Genetics (formerly Invitae), Labcorp
Classification: Uncertain significance for Brugada syndrome. Last evaluated: 2024-04-17. Review status: criteria provided, single submitter. Criteria: Invitae Variant Classification Sherloc (09022015). Collection method: clinical testing. Allele origin: germline.
Comment: This sequence change replaces aspartic acid, which is acidic and polar, with asparagine, which is neutral and polar, at codon 720 of the SCN10A protein (p.Asp720Asn). This variant is present in population databases (rs781354273, gnomAD 0.006%). This variant has not been reported in the literature in individuals affected with SCN10A-related conditions. ClinVar contains an entry for this variant (Variation ID: 532067). Advanced modeling of protein sequence and biophysical properties (such as structural, functional, and spatial information, amino acid conservation, physicochemical variation, residue mobility, and thermodynamic stability) has been performed at Invitae for this missense variant, however the output from this modeling did not meet the statistical confidence thresholds required to predict the impact of this variant on SCN10A protein function. In summary, the available evidence is currently insufficient to determine the role of this variant in disease. Therefore, it has been classified as a Variant of Uncertain Significance.

Women's Health and Genetics/Laboratory Corporation of America, LabCorp
Classification: Uncertain significance. Last evaluated: 2024-03-12. Review status: criteria provided, single submitter. Criteria: LabCorp Variant Classification Summary - May 2015. Collection method: clinical testing. Allele origin: germline.
Comment: Variant summary: SCN10A c.2158G>A (p.Asp720Asn) results in a conservative amino acid change located in the Ion transport domain (IPR005821) of the encoded protein sequence. Four of five in-silico tools predict a damaging effect of the variant on protein function. The variant allele was found at a frequency of 1.2e-05 in 251264 control chromosomes. The available data on variant occurrences in the general population are insufficient to allow any conclusion about variant significance. To our knowledge, no occurrence of c.2158G>A in individuals affected with SCN10A-Related Disorders and no experimental evidence demonstrating its impact on protein function have been reported. ClinVar contains an entry for this variant (Variation ID: 532067). Based on the evidence outlined above, the variant was classified as uncertain significance.

Fulgent Genetics
Classification: Uncertain significance for Episodic pain syndrome, familial, 2. Last evaluated: 2022-04-05. Review status: criteria provided, single submitter. Criteria: ACMG Guidelines, 2015. Collection method: clinical testing. Allele origin: unknown.

Literature cited by the submitters: PubMed 39272661 (cited by Mayo Clinic Laboratories, Mayo Clinic).